The following is an entry in ClinVar:

NM_000213.5(ITGB4):c.4898-5C>T

Genes: GALK1 (galactokinase 1; minus strand), ITGB4 (integrin subunit beta 4; plus strand). Cytogenetic location: 17q25.1.
Variant type: single nucleotide variant.
Coding change: c.4898-5C>T on transcript NM_000213.5 (MANE Select); 5 bases into the intron before coding-DNA position 4898, C replaced by T.
Molecular consequence: intron variant.
Genome position (GRCh38, 1-based): chr17:75,756,699, C>T. VCF-style: chr17-75756699-C-T. GRCh37 (hg19) VCF-style: chr17-73752780-C-T.
Other names: c.4847-5C>T (NM_001005619.2); c.4688-5C>T (NM_001005731.3, NM_001321123.2); c.4538-5C>T (NM_001438834.1); c.*22+1335G>A (NM_001381985.1).
Identifiers: ClinVar variation 2768238 (VCV002768238.4), dbSNP rs2061514243, ClinGen allele CA2275667756.

ClinVar aggregate classification (germline): Conflicting classifications of pathogenicity. Review status: criteria provided, conflicting classifications (1 of 4 stars). 2 submissions from 2 submitters: Uncertain significance (1); Likely benign (1). Last evaluated 2024-10-31.

Conditions:
Inborn genetic diseases. Identifiers: MedGen C0950123, MeSH D030342.

Allele frequency attached by ClinVar (database versions not stated): gnomAD exomes below 0.00001.
gnomAD v4.1: 6 of 1,613,488 alleles (0.00037%); highest among the groups gnomAD compares: Admixed American, 0.0017%; no homozygotes.

Submissions (2):

Ambry Genetics
Classification: Uncertain significance for Inborn genetic diseases. Last evaluated: 2024-10-31. Review status: criteria provided, single submitter. Criteria: Ambry Variant Classification Scheme 2023. Collection method: clinical testing. Allele origin: germline.
Comment: The c.4688-5C>T intronic alteration consists of a C to T substitution 5 nucleotides before coding exon 35 in the ITGB4 gene. Based on insufficient or conflicting evidence, the clinical significance of this alteration remains unclear.

Labcorp Genetics (formerly Invitae), Labcorp
Classification: Likely benign. Last evaluated: 2023-10-14. Review status: criteria provided, single submitter. Criteria: Invitae Variant Classification Sherloc (09022015). Collection method: clinical testing. Allele origin: germline.